The following is an entry in ClinVar:

ClinVar aggregate classification (germline): Pathogenic/Likely pathogenic. Review status: criteria provided, multiple submitters, no conflicts (2 of 4 stars). 10 submissions from 10 submitters: Pathogenic (6); Likely pathogenic (2). 2 of the submissions do not count toward it. Last evaluated 2025-11-20.

Conditions:
MYO7A-related disorder. Also called: MYO7A-related disorders.
Rare genetic deafness. Identifiers: Orphanet 96210, MedGen C5680250.
Usher syndrome. Also called: Usher Syndromes; Usher's syndrome. Identifiers: Orphanet 886, MedGen CN469326, MeSH D052245, MONDO:0019501. Disease mechanism: loss of function.
Inborn genetic diseases. Identifiers: MedGen C0950123, MeSH D030342.
Retinal dystrophy. Also called: Inherited retinal dystrophy. Identifiers: Orphanet 71862, MedGen C0854723, MeSH D058499, MONDO:0019118, HP:0000556.
Usher syndrome type 1B (USH1B). Also called: Usher syndrome type IB. Identifiers: MedGen C1848638, MONDO:0700087.
Hearing loss, autosomal recessive. Also called: Autosomal recessive nonsyndromic deafness; Deafness, autosomal recessive; Nonsyndromic Hearing Loss, Recessive; Rare autosomal recessive non-syndromic sensorineural deafness type DFNB. Identifiers: Orphanet 90635, Orphanet 90636, MedGen C1846647, MONDO:0019588, OMIM 607197.

Allele frequency attached by ClinVar (database versions not stated): TOPMed below 0.00001; gnomAD exomes 0.00002; ExAC 0.00003; 1000 Genomes Project 30x 0.00016; 1000 Genomes Project 0.00020.

Submissions (10):

GeneDx
Classification: Pathogenic. Last evaluated: 2025-11-20. Review status: criteria provided, single submitter. Criteria: GeneDx Variant Classification Process June 2021. Collection method: clinical testing. Allele origin: germline.
Comment: Identified with a second MYO7A variant in siblings with rod-cone dystrophy; information regarding hearing status was not available (PMID: 31479088); In silico analysis supports that this missense variant has a deleterious effect on protein structure/function; This variant is associated with the following publications: (PMID: 31964843, 16963483, 26226137, 23770805, 21436283, 30303587, 37107695, 34148116, 31479088, 10930322, 26309859, 26338283)

Natera, Inc.
Classification: Pathogenic for Usher syndrome type 1B. Last evaluated: 2025-04-19. Review status: criteria provided, single submitter. Criteria: Natera Variant Classification Schema (03/2026). Collection method: clinical testing. Allele origin: germline.
Comment: The c.722G>A variant in MYO7A is a missense variant predicted to cause substitution of arginine to histidine at amino acid 241. This variant is rare in the general population with a frequency below the threshold expected for the associated phenotype(s). This variant has been observed in one or more individuals affected with the associated recessive disease, as either homozygous or compound heterozygous with a second variant (PMID: 31479088, 27460420, 21436283). Additionally, this variant has been observed to segregate in affected family members (PMID: 31479088). A different variant at the same position has been determined to be Pathogenic or Likely Pathogenic. Computational prediction algorithms indicate this variant is likely to affect gene or protein function. Given the available evidence, this variant is classified as Pathogenic.

PreventionGenetics, part of Exact Sciences
Classification: Likely pathogenic for MYO7A-related condition. Last evaluated: 2025-02-11. Review status: criteria provided, single submitter. Criteria: ACMG Guidelines, 2015. Collection method: clinical testing. Allele origin: germline.
Comment: The MYO7A c.722G>A variant is predicted to result in the amino acid substitution p.Arg241His. This variant was reported, in the homozygous state or in the heterozygous state with a second possible causative variant, in individual with Usher syndrome or nonsyndromic deafness (Bademci et al. 2015. PubMed ID: 26226137; Bahena et al. 2021. PubMed ID: 34148116; Richard et al. 2018. PubMed ID: 30303587; Shahzad et al. 2013. PubMed ID: 23770805). This variant was also described in large cohorts of individuals with suspected Usher syndrome (supplementary data, Cremers et al. 2007. PubMed ID: 16963483; supplementary data, Khateb et al. 2020. PubMed ID: 31479088; Roux et al. 2011. PubMed ID: 21436283). Alternate amino acid substitutions at this position (p.Arg241Ser, p.Arg241Gly, p.Arg241Cys, and p.Arg241Pro) have been previously reported in individuals with Usher syndrome (see, for example, Janecke et al. 1999. PubMed ID: 10094549; Jaijo et al. 2007. PubMed ID: 17361009; Bahena et al. 2021. PubMed ID: 34148116; supplementary data, Lin et al. 2024. PubMed ID: 38219857). This variant is reported in 0.0065% of alleles in individuals of South Asian descent in gnomAD. Taken together, we classify this variant as likely pathogenic for autosomal recessive disease.

Labcorp Genetics (formerly Invitae), Labcorp
Classification: Pathogenic. Last evaluated: 2024-02-12. Review status: criteria provided, single submitter. Criteria: Invitae Variant Classification Sherloc (09022015). Collection method: clinical testing. Allele origin: germline.
Comment: This sequence change replaces arginine, which is basic and polar, with histidine, which is basic and polar, at codon 241 of the MYO7A protein (p.Arg241His). This variant is present in population databases (rs111033284, gnomAD 0.006%). This missense change has been observed in individuals with Usher syndrome or autosomal recessive non-syndromic sensorineural deafness (PMID: 21436283, 23770805, 26226137, 31479088). ClinVar contains an entry for this variant (Variation ID: 43340). Advanced modeling of protein sequence and biophysical properties (such as structural, functional, and spatial information, amino acid conservation, physicochemical variation, residue mobility, and thermodynamic stability) performed at Invitae indicates that this missense variant is expected to disrupt MYO7A protein function with a positive predictive value of 95%. For these reasons, this variant has been classified as Pathogenic.

Women's Health and Genetics/Laboratory Corporation of America, LabCorp
Classification: Pathogenic for Usher syndrome. Last evaluated: 2023-07-28. Review status: criteria provided, single submitter. Criteria: LabCorp Variant Classification Summary - May 2015. Collection method: clinical testing. Allele origin: germline.
Comment: Variant summary: MYO7A c.722G>A (p.Arg241His) results in a non-conservative amino acid change located in the myosin head, motor domain (IPR001609) of the encoded protein sequence. Five of five in-silico tools predict a damaging effect of the variant on protein function. The variant allele was found at a frequency of 1.6e-05 in 248492 control chromosomes (gnomAD). c.722G>A has been reported in the literature in multiple homozygous and compound heterozygous individuals affected with Usher Syndrome or autosomal recessive non-syndromic sensorineural deafness (examples: Roux_2011, Shahzad_2013, Bademci2016). These data indicate that the variant is very likely to be associated with disease. The following publications have been ascertained in the context of this evaluation (PMID: 23770805 , 26226137 , 21436283). Other variants affecting the same residue (p.Arg241Cys, p.Arg241Gly) have been classified pathogenic in ClinVar suggesting this residue may be critical for normal function of the protein (CV IDs 438180, 2137200). Three submitters have cited clinical-significance assessments for this variant to ClinVar after 2014. All submitters classified the variant as pathogenic/likely pathogenic. Based on the evidence outlined above, the variant was classified as pathogenic.

Blueprint Genetics
Classification: Pathogenic for MYO7A-related disorders. Last evaluated: 2022-11-07. Review status: criteria provided, single submitter. Criteria: ACMG Guidelines, 2015. Collection method: clinical testing. Allele origin: germline. Affected: yes. Observed: 3 variant alleles.

Institute of Human Genetics, Univ. Regensburg, Univ. Regensburg
Classification: Likely pathogenic for Retinal dystrophy. Last evaluated: 2022-01-01. Review status: criteria provided, single submitter. Criteria: ACMG Guidelines, 2015. Collection method: clinical testing. Allele origin: germline. Affected: yes.

Ambry Genetics
Classification: Pathogenic for Inborn genetic diseases. Last evaluated: 2015-12-02. Review status: criteria provided, single submitter. Criteria: Ambry exome assertion method (8-5-2015). Collection method: clinical testing. Allele origin: germline. Affected: yes. Observed: 1 variant allele.

Laboratory for Molecular Medicine, Mass General Brigham Personalized Medicine
Classification: Likely pathogenic for Rare genetic deafness. Last evaluated: 2007-08-22. Review status: no assertion criteria provided. Collection method: clinical testing. Allele origin: germline. Observed: 1 variant allele. Not counted in ClinVar's aggregate classification.

University of Washington Center for Mendelian Genomics, University of Washington
Classification: Likely pathogenic for non-syndromic autosomal recessive hearing loss. Review status: no assertion criteria provided. Collection method: research. Allele origin: inherited. Affected: yes. Not counted in ClinVar's aggregate classification.

Literature cited by the submitters: PubMed 31479088 (cited by 3 submitters); PubMed 27460420 (cited by Natera, Inc.); PubMed 21436283 (cited by 3 submitters); PubMed 23770805 (cited by Labcorp Genetics (formerly Invitae), Labcorp and Women's Health and Genetics/Laboratory Corporation of America, LabCorp); PubMed 26226137 (cited by 3 submitters); PubMed 16963483 (cited by Institute of Human Genetics, Univ. Regensburg, Univ. Regensburg); PubMed 31964843 (cited by Institute of Human Genetics, Univ. Regensburg, Univ. Regensburg); PubMed 34148116 (cited by Institute of Human Genetics, Univ. Regensburg, Univ. Regensburg); PubMed 30303587 (cited by University of Washington Center for Mendelian Genomics, University of Washington).

NM_000260.4(MYO7A):c.722G>A (p.Arg241His)

Gene: MYO7A (myosin VIIA; plus strand). Cytogenetic location: 11q13.5.
Variant type: single nucleotide variant.
Coding change: c.722G>A on transcript NM_000260.4 (MANE Select); coding-DNA position 722, G replaced by A.
Protein change: p.Arg241His; replaces arginine 241 with histidine.
Molecular consequence: missense variant.
Genome position (GRCh38, 1-based): chr11:77,156,991, G>A. VCF-style: chr11-77156991-G-A. GRCh37 (hg19) VCF-style: chr11-76868037-G-A.
Other names: c.722G>A, p.Arg241His (NM_001127180.2); c.689G>A, p.Arg230His (NM_001369365.1); short protein forms R241H, R230H.
Identifiers: ClinVar variation 43340 (VCV000043340.22), dbSNP rs111033284, ClinGen allele CA278714.